The following is an entry in ClinVar:

NM_018131.5(CEP55):c.1272C>T (p.Ala424=)

Gene: CEP55 (centrosomal protein 55; plus strand). Cytogenetic location: 10q23.33.
Variant type: single nucleotide variant.
Coding change: c.1272C>T on transcript NM_018131.5 (MANE Select); coding-DNA position 1272, C replaced by T.
Protein change: p.Ala424=; no amino-acid change (alanine 424 retained).
Molecular consequence: synonymous variant.
Genome position (GRCh38, 1-based): chr10:93,528,030, C>T. VCF-style: chr10-93528030-C-T. GRCh37 (hg19) VCF-style: chr10-95287787-C-T.
Other names: c.1272C>T, p.Ala424= (NM_001127182.2).
Identifiers: ClinVar variation 784163 (VCV000784163.12), dbSNP rs75477224, ClinGen allele CA5609158.

ClinVar aggregate classification (germline): Benign. Review status: criteria provided, multiple submitters, no conflicts (2 of 4 stars). 3 submissions from 3 submitters: Benign (2). 1 of the submissions does not count toward it. Last evaluated 2025-10-27.

Conditions:
CEP55-related disorder. Also called: CEP55-related condition.

Allele frequency attached by ClinVar (database versions not stated): gnomAD exomes 0.00020 and 0.00059; ExAC 0.00081; 1000 Genomes Project 0.00260; 1000 Genomes Project 30x 0.00265; gnomAD 0.00269 and 0.00285; TOPMed 0.00299; ESP Exome Variant Server 0.00331.
gnomAD v4.1: 725 of 1,614,024 alleles (0.045%); highest among the groups gnomAD compares: African/African-American, 0.87%; 5 homozygotes.

Submissions (3):

Labcorp Genetics (formerly Invitae), Labcorp
Classification: Benign. Last evaluated: 2025-10-27. Review status: criteria provided, single submitter. Criteria: Invitae Variant Classification Sherloc (09022015). Collection method: clinical testing. Allele origin: germline.

Breakthrough Genomics
Classification: Benign. Review status: criteria provided, single submitter. Criteria: ACMG Guidelines, 2015. Collection method: not provided. Allele origin: germline. Inheritance: Autosomal recessive inheritance. Affected: yes.

PreventionGenetics, part of Exact Sciences
Classification: Benign for CEP55-related condition. Last evaluated: 2019-08-28. Review status: no assertion criteria provided. Collection method: clinical testing. Allele origin: germline. Not counted in ClinVar's aggregate classification.
Comment: This variant is classified as benign based on ACMG/AMP sequence variant interpretation guidelines (Richards et al. 2015 PMID: 25741868, with internal and published modifications).